The following is an entry in ClinVar:

NM_130384.3(ATRIP):c.2143C>T (p.Arg715Trp)

Genes: ATRIP (ATR interacting protein; plus strand), ATRIP-TREX1 (ATRIP-TREX1 readthrough; plus strand). Cytogenetic location: 3p21.31.
Variant type: single nucleotide variant.
Coding change: c.2143C>T on transcript NM_130384.3 (MANE Select); coding-DNA position 2143, C replaced by T.
Protein change: p.Arg715Trp; replaces arginine 715 with tryptophan.
Molecular consequence: missense variant. On other transcripts: non-coding transcript variant (1).
Genome position (GRCh38, 1-based): chr3:48,464,918, C>T. VCF-style: chr3-48464918-C-T. GRCh37 (hg19) VCF-style: chr3-48506317-C-T.
Other names: c.1762C>T, p.Arg588Trp (NM_001271022.2); c.1864C>T, p.Arg622Trp (NM_001271023.2); c.2062C>T, p.Arg688Trp (NM_032166.4); c.2143C>T (NM_130384.1); short protein forms R588W, R622W, R688W, R715W.
Identifiers: ClinVar variation 3615437 (VCV003615437.3).

ClinVar aggregate classification (germline): Uncertain significance. Review status: criteria provided, multiple submitters, no conflicts (2 of 4 stars). 2 submissions from 2 submitters: Uncertain significance (2). Last evaluated 2025-01-13.

Submissions (2):

Ambry Genetics
Classification: Uncertain significance. Last evaluated: 2025-01-13. Review status: criteria provided, single submitter. Criteria: Ambry Variant Classification Scheme 2023. Collection method: clinical testing. Allele origin: germline.
Comment: The p.R715W variant (also known as c.2143C>T), located in coding exon 12 of the ATRIP gene, results from a C to T substitution at nucleotide position 2143. The arginine at codon 715 is replaced by tryptophan, an amino acid with dissimilar properties. This amino acid position is conserved. In addition, this alteration is predicted to be tolerated by in silico analysis. Based on the available evidence, the clinical significance of this variant remains unclear.

Labcorp Genetics (formerly Invitae), Labcorp
Classification: Uncertain significance. Last evaluated: 2024-10-10. Review status: criteria provided, single submitter. Criteria: Invitae Variant Classification Sherloc (09022015). Collection method: clinical testing. Allele origin: germline.
Comment: This sequence change replaces arginine, which is basic and polar, with tryptophan, which is neutral and slightly polar, at codon 715 of the ATRIP protein (p.Arg715Trp). This variant is present in population databases (rs770820738, gnomAD 0.004%). This variant has not been reported in the literature in individuals affected with ATRIP-related conditions. An algorithm developed to predict the effect of missense changes on protein structure and function (PolyPhen-2) suggests that this variant is likely to be disruptive. In summary, the available evidence is currently insufficient to determine the role of this variant in disease. Therefore, it has been classified as a Variant of Uncertain Significance.